The following is an entry in ClinVar:

NM_000179.3(MSH6):c.3491T>C (p.Val1164Ala)

Gene: MSH6 (mutS homolog 6; plus strand). Cytogenetic location: 2p16.3.
Variant type: single nucleotide variant.
Coding change: c.3491T>C on transcript NM_000179.3 (MANE Select); coding-DNA position 3491, T replaced by C.
Protein change: p.Val1164Ala; replaces valine 1164 with alanine.
Molecular consequence: missense variant.
Genome position (GRCh38, 1-based): chr2:47,804,962, T>C. VCF-style: chr2-47804962-T-C. GRCh37 (hg19) VCF-style: chr2-48032101-T-C.
Other names: c.3101T>C, p.Val1034Ala (NM_001281492.2); c.2585T>C, p.Val862Ala (NM_001281493.2, NM_001281494.2); short protein forms V1034A, V1164A, V862A.
Identifiers: ClinVar variation 1332178 (VCV001332178.6), dbSNP rs2104506640, ClinGen allele CA346760150.

ClinVar aggregate classification (germline): Uncertain significance. Review status: criteria provided, multiple submitters, no conflicts (2 of 4 stars). 4 submissions from 4 submitters: Uncertain significance (4). Last evaluated 2025-07-29.

Conditions:
Lynch syndrome 5 (LYNCH5). Also called: Colorectal cancer, hereditary nonpolyposis, type 5; Hereditary non-polyposis colorectal cancer, type 5. Identifiers: Orphanet 144, MedGen C1833477, MONDO:0013710, OMIM 614350. Disease mechanism: loss of function.
Hereditary nonpolyposis colorectal neoplasms. Identifiers: MedGen C0009405, MeSH D003123.
Hereditary cancer-predisposing syndrome. Also called: Tumor predisposition; Hereditary Cancer Syndrome; Neoplastic Syndromes, Hereditary; Hereditary neoplastic syndrome. Identifiers: Orphanet 140162, MedGen C0027672, MeSH D009386, MONDO:0015356.

Allele frequency attached by ClinVar (database versions not stated): gnomAD exomes below 0.00001.
gnomAD v4.1: 1 of 1,614,172 alleles (0.000062%); highest among the groups gnomAD compares: East Asian, 0.0022%; no homozygotes.

Submissions (4):

Labcorp Genetics (formerly Invitae), Labcorp
Classification: Uncertain significance for Hereditary nonpolyposis colorectal neoplasms. Last evaluated: 2025-07-29. Review status: criteria provided, single submitter. Criteria: Invitae Variant Classification Sherloc (09022015). Collection method: clinical testing. Allele origin: germline.
Comment: This sequence change replaces valine, which is neutral and non-polar, with alanine, which is neutral and non-polar, at codon 1164 of the MSH6 protein (p.Val1164Ala). This variant is not present in population databases (gnomAD no frequency). This missense change has been observed in individual(s) with breast cancer (PMID: 35449176). ClinVar contains an entry for this variant (Variation ID: 1332178). Invitae Evidence Modeling of protein sequence and biophysical properties (such as structural, functional, and spatial information, amino acid conservation, physicochemical variation, residue mobility, and thermodynamic stability) indicates that this missense variant is not expected to disrupt MSH6 protein function with a negative predictive value of 95%. In summary, the available evidence is currently insufficient to determine the role of this variant in disease. Therefore, it has been classified as a Variant of Uncertain Significance.

KCCC/NGS Laboratory, Kuwait Cancer Control Center
Classification: Uncertain significance for Lynch syndrome 5. Last evaluated: 2023-07-07. Review status: criteria provided, single submitter. Criteria: ACMG Guidelines, 2015. Collection method: clinical testing. Allele origin: unknown. Affected: yes.
Comment: This missense variant replaces valine with alanine at codon 1164 of the MSH6 protein. In-silico predictions show benign computational verdict based on 10 benign predictions from BayesDel_addAF, DANN, DEOGEN2, EIGEN, LIST-S2, MVP, MutationAssessor, MutationTaster, PrimateAI and SIFT vs 2 pathogenic predictions from FATHMM-MKL and M-CAP and the position is not highly conserved (phyloP100way = 1.83 is less than 7.2). Functional studies have not been reported for this variant. This variant has not been reported in individuals affected with hereditary cancer in the literature. This variant has not been identified in the general population by the Genome Aggregation Database (gnomAD). The available evidence is insufficient to determine the role of this variant in disease conclusively. Therefore, this variant is classified as a Variant of Uncertain Significance.

Ambry Genetics
Classification: Uncertain significance for Hereditary cancer-predisposing syndrome. Last evaluated: 2023-06-01. Review status: criteria provided, single submitter. Criteria: Ambry Variant Classification Scheme 2023. Collection method: clinical testing. Allele origin: germline.
Comment: The p.V1164A variant (also known as c.3491T>C), located in coding exon 6 of the MSH6 gene, results from a T to C substitution at nucleotide position 3491. The valine at codon 1164 is replaced by alanine, an amino acid with similar properties. This alteration was identified in a cohort of 481 Chinese breast cancer patients with family history of breast/ovarian cancer (Wang J et al. Cancer Med, 2019 May;8:2074-2084). This amino acid position is not well conserved in available vertebrate species. In addition, this alteration is predicted to be tolerated by in silico analysis. Since supporting evidence is limited at this time, the clinical significance of this alteration remains unclear.

Color Diagnostics, LLC DBA Color Health
Classification: Uncertain significance for Hereditary cancer-predisposing syndrome. Last evaluated: 2021-03-15. Review status: criteria provided, single submitter. Criteria: ACMG Guidelines, 2015. Collection method: clinical testing. Allele origin: germline.
Comment: This missense variant replaces valine with alanine at codon 1164 of the MSH6 protein. Computational prediction suggests that this variant may not impact protein structure and function (internally defined REVEL score threshold <= 0.5, PMID: 27666373). To our knowledge, functional studies have not been reported for this variant. This variant has not been reported in individuals affected with hereditary cancer in the literature. This variant has not been identified in the general population by the Genome Aggregation Database (gnomAD). The available evidence is insufficient to determine the role of this variant in disease conclusively. Therefore, this variant is classified as a Variant of Uncertain Significance.

Literature cited by the submitters: PubMed 35449176 (cited by Labcorp Genetics (formerly Invitae), Labcorp); PubMed 30982232 (cited by Ambry Genetics).